The following is an entry in ClinVar:

NM_000702.4(ATP1A2):c.1328G>A (p.Arg443Gln)

Gene: ATP1A2 (ATPase Na+/K+ transporting subunit alpha 2; plus strand). Cytogenetic location: 1q23.2.
Variant type: single nucleotide variant.
Coding change: c.1328G>A on transcript NM_000702.4 (MANE Select); coding-DNA position 1328, G replaced by A.
Protein change: p.Arg443Gln; replaces arginine 443 with glutamine.
Molecular consequence: missense variant.
Genome position (GRCh38, 1-based): chr1:160,129,267, G>A. VCF-style: chr1-160129267-G-A. GRCh37 (hg19) VCF-style: chr1-160099057-G-A.
Other names: c.1328G>A (NM_000702.3); short protein forms R443Q.
Identifiers: ClinVar variation 1378908 (VCV001378908.11), dbSNP rs562278306, ClinGen allele CA1194469.

ClinVar aggregate classification (germline): Uncertain significance. Review status: criteria provided, multiple submitters, no conflicts (2 of 4 stars). 4 submissions from 4 submitters: Uncertain significance (3). 1 of the submissions does not count toward it. Last evaluated 2026-06-12.

Conditions:
Familial hemiplegic migraine. Identifiers: MedGen C0338484, MONDO:0000700.

Allele frequency attached by ClinVar (database versions not stated): ExAC 0.00004; gnomAD exomes 0.00003; gnomAD 0.00004 and 0.00001; 1000 Genomes Project 30x 0.00047; 1000 Genomes Project 0.00040; TOPMed 0.00001.
gnomAD v4.1: 49 of 1,614,114 alleles (0.003%); highest among the groups gnomAD compares: South Asian, 0.027%; no homozygotes.

Submissions (4):

Women's Health and Genetics/Laboratory Corporation of America, LabCorp
Classification: Uncertain significance. Last evaluated: 2026-06-12. Review status: criteria provided, single submitter. Criteria: LabCorp Variant Classification Summary - May 2015. Collection method: clinical testing. Allele origin: germline.
Comment: Variant summary: ATP1A2 c.1328G>A (p.Arg443Gln) results in a conservative amino acid change in the encoded protein sequence. Algorithms developed to predict the effect of missense changes on protein structure and function are either unavailable or do not agree on the potential impact of this missense change. Several computational tools predict a significant impact on normal splicing: Two predict the variant weakens a 3' acceptor site. Three predict the variant creates a 3' acceptor site. However, these predictions have yet to be confirmed by functional studies. The variant allele was found at a frequency of 3.2e-05 in 251456 control chromosomes. The available data on variant occurrences in the general population are insufficient to allow any conclusion about variant significance. To our knowledge, no occurrence of c.1328G>A in individuals affected with ATP1A2-related conditions and no experimental evidence demonstrating its impact on protein function have been reported. ClinVar contains an entry for this variant (Variation ID: 1378908). Based on the evidence outlined above, the variant was classified as uncertain significance.

Labcorp Genetics (formerly Invitae), Labcorp
Classification: Uncertain significance for Familial hemiplegic migraine. Last evaluated: 2025-10-13. Review status: criteria provided, single submitter. Criteria: Invitae Variant Classification Sherloc (09022015). Collection method: clinical testing. Allele origin: germline.
Comment: This sequence change replaces arginine, which is basic and polar, with glutamine, which is neutral and polar, at codon 443 of the ATP1A2 protein (p.Arg443Gln). This variant is present in population databases (rs562278306, gnomAD 0.01%). This variant has not been reported in the literature in individuals affected with ATP1A2-related conditions. ClinVar contains an entry for this variant (Variation ID: 1378908). An algorithm developed to predict the effect of missense changes on protein structure and function (PolyPhen-2) suggests that this variant is likely to be disruptive. Algorithms developed to predict the effect of sequence changes on RNA splicing suggest that this variant may create or strengthen a splice site. In summary, the available evidence is currently insufficient to determine the role of this variant in disease. Therefore, it has been classified as a Variant of Uncertain Significance.

GeneDx
Classification: Uncertain significance. Last evaluated: 2024-07-06. Review status: criteria provided, single submitter. Criteria: GeneDx Variant Classification Process June 2021. Collection method: clinical testing. Allele origin: germline. Affected: yes.
Comment: In silico analysis supports that this missense variant has a deleterious effect on protein structure/function; In silico analysis supports a deleterious effect on splicing; Has not been previously published as pathogenic or benign to our knowledge; This variant is associated with the following publications: (PMID: 35304488, 18184292)

Genetics and Genomic Medicine Centre, NeuroGen Healthcare, NeuroGen Healthcare
Classification: Uncertain significance. Last evaluated: 2021-08-06. Review status: no assertion criteria provided. Collection method: clinical testing. Allele origin: unknown. Affected: yes. Not counted in ClinVar's aggregate classification.